The following is an entry in ClinVar:

ClinVar aggregate classification (germline): Benign/Likely benign. Review status: criteria provided, multiple submitters, no conflicts (2 of 4 stars). 3 submissions from 3 submitters: Benign (1); Likely benign (2). Last evaluated 2025-07-31.

Conditions:
Hereditary diffuse gastric adenocarcinoma (HDGC). Also called: DIFFUSE GASTRIC AND LOBULAR BREAST CANCER SYNDROME. Identifiers: Orphanet 26106, MedGen C1708349, MONDO:0007648, OMIM 137215.

Allele frequency attached by ClinVar (database versions not stated): gnomAD exomes below 0.00001; TOPMed 0.00002.
gnomAD v4.1: 4 of 1,611,558 alleles (0.00025%); highest among the groups gnomAD compares: Admixed American, 0.0051%; no homozygotes.

Submissions (3):

Labcorp Genetics (formerly Invitae), Labcorp
Classification: Likely benign. Last evaluated: 2025-07-31. Review status: criteria provided, single submitter. Criteria: Invitae Variant Classification Sherloc (09022015). Collection method: clinical testing. Allele origin: germline.

Myriad Genetics, Inc.
Classification: Likely benign for Hereditary diffuse gastric adenocarcinoma. Last evaluated: 2024-10-11. Review status: criteria provided, single submitter. Criteria: Myriad Autosomal Dominant, Autosomal Recessive and X-Linked Classification Criteria (2023). Collection method: clinical testing. Allele origin: unknown.
Comment: This variant is considered likely benign. This variant is intronic and is not expected to impact mRNA splicing.

Mendelics
Classification: Benign. Last evaluated: 2022-05-04. Review status: criteria provided, single submitter. Criteria: Mendelics Assertion Criteria 2019. Collection method: clinical testing. Allele origin: germline.

NM_001903.5(CTNNA1):c.1389+10A>T

Gene: CTNNA1 (catenin alpha 1; plus strand). Cytogenetic location: 5q31.2.
Variant type: single nucleotide variant.
Coding change: c.1389+10A>T on transcript NM_001903.5 (MANE Select); 10 bases into the intron after coding-DNA position 1389, A replaced by T.
Molecular consequence: intron variant.
Genome position (GRCh38, 1-based): chr5:138,904,451, A>T. VCF-style: chr5-138904451-A-T. GRCh37 (hg19) VCF-style: chr5-138240140-A-T.
Other names: c.1389+10A>T (NM_001323982.2, NM_001323984.2, NM_001290307.3 and 2 more transcripts); c.1297-13291A>T (NM_001323986.2); c.1020+10A>T (NM_001290310.3); c.1080+10A>T (NM_001290309.3); c.279+10A>T (NM_001323996.1, NM_001323993.1, NM_001324005.1 and 17 more transcripts); c.-119+10A>T (NM_001324007.1, NM_001324009.1, NM_001324006.1 and 1 more transcripts); c.36+10A>T (NM_001324013.1, NM_001324012.1); c.187-13291A>T (NM_001324011.1); and 1 more.
Identifiers: ClinVar variation 701596 (VCV000701596.12), dbSNP rs1051113761, ClinGen allele CA128250607.